The following is an entry in ClinVar:

NM_177438.3(DICER1):c.1076G>C (p.Cys359Ser)

Gene: DICER1 (dicer 1, ribonuclease III; minus strand). Cytogenetic location: 14q32.13.
Variant type: single nucleotide variant.
Coding change: c.1076G>C on transcript NM_177438.3 (MANE Select); coding-DNA position 1076, G replaced by C.
Protein change: p.Cys359Ser; replaces cysteine 359 with serine.
Molecular consequence: missense variant. On other transcripts: 5 prime UTR variant (1), non-coding transcript variant (6).
Genome position (GRCh38, 1-based): chr14:95,124,496, C>G on the plus strand (G>C on the coding strand, the complement: DICER1 is on the minus strand). VCF-style: chr14-95124496-C-G. GRCh37 (hg19) VCF-style: chr14-95590833-C-G.
Other names: c.1076G>C, p.Cys359Ser (NM_001195573.1, NM_001271282.3, NM_001291628.2 and 15 more transcripts); c.794G>C, p.Cys265Ser (NM_001395686.1); c.671G>C, p.Cys224Ser (NM_001395687.1, NM_001395688.1, NM_001395689.1 and 3 more transcripts); c.509G>C, p.Cys170Ser (NM_001395691.1); c.-493G>C (NM_001395697.1); short protein forms C170S, C224S, C265S, C359S.
Identifiers: ClinVar variation 2839104 (VCV002839104.3), dbSNP rs2140205755, ClinGen allele CA390887014.

ClinVar aggregate classification (germline): Uncertain significance (1 of 4 stars; one submission).

Conditions:
DICER1-related tumor predisposition. Also called: DICER1-related pleuropulmonary blastoma cancer predisposition syndrome; DICER1 syndrome. Identifiers: Orphanet 284343, MedGen C3839822, MONDO:0100216.

Submission:

Labcorp Genetics (formerly Invitae), Labcorp
Classification: Uncertain significance for DICER1-related tumor predisposition. Last evaluated: 2024-05-06. Review status: criteria provided, single submitter. Criteria: Invitae Variant Classification Sherloc (09022015). Collection method: clinical testing. Allele origin: germline.
Comment: This sequence change replaces cysteine, which is neutral and slightly polar, with serine, which is neutral and polar, at codon 359 of the DICER1 protein (p.Cys359Ser). This variant is not present in population databases (gnomAD no frequency). This variant has not been reported in the literature in individuals affected with DICER1-related conditions. Advanced modeling of protein sequence and biophysical properties (such as structural, functional, and spatial information, amino acid conservation, physicochemical variation, residue mobility, and thermodynamic stability) has been performed at Invitae for this missense variant, however the output from this modeling did not meet the statistical confidence thresholds required to predict the impact of this variant on DICER1 protein function. In summary, the available evidence is currently insufficient to determine the role of this variant in disease. Therefore, it has been classified as a Variant of Uncertain Significance.